The following is an entry in ClinVar:

NM_000138.5(FBN1):c.6410G>A (p.Cys2137Tyr)

Gene: FBN1 (fibrillin 1; minus strand). Cytogenetic location: 15q21.1.
Variant type: single nucleotide variant.
Coding change: c.6410G>A on transcript NM_000138.5 (MANE Select); coding-DNA position 6410, G replaced by A.
Protein change: p.Cys2137Tyr; replaces cysteine 2137 with tyrosine.
Molecular consequence: missense variant.
Genome position (GRCh38, 1-based): chr15:48,437,047, C>T on the plus strand (G>A on the coding strand, the complement: FBN1 is on the minus strand). VCF-style: chr15-48437047-C-T. GRCh37 (hg19) VCF-style: chr15-48729244-C-T.
Other names: NM_000138.5(FBN1):c.6410G>A; p.Cys2137Tyr; short protein forms C2137Y.
Identifiers: ClinVar variation 633211 (VCV000633211.11), dbSNP rs1555395206, ClinGen allele CA392336648.

ClinVar aggregate classification (germline): Pathogenic. Review status: reviewed by expert panel (3 of 4 stars). 3 submissions from 3 submitters: Pathogenic (1). 2 of the submissions do not count toward it. Last evaluated 2024-08-22.

Conditions:
Marfan syndrome (MFS). Also called: FBN1-Related Marfan Syndrome; Marfan syndrome type 1; Marfan's syndrome; Marfan syndrome, classic; MARFAN SYNDROME, TYPE I. Identifiers: Orphanet 284963, Orphanet 558, MedGen C0024796, MONDO:0007947, OMIM 154700.
Familial thoracic aortic aneurysm and aortic dissection (TAAD). Also called: Thoracic aortic aneurysms and dissections. Identifiers: Orphanet 91387, MedGen C4707243, MONDO:0019625.

Submissions (3):

ClinGen FBN1 Variant Curation Expert Panel, ClinGen
Classification: Pathogenic for Marfan syndrome. Last evaluated: 2024-08-22. Review status: reviewed by expert panel. Criteria: Assertion Criteria VCEP FBN1 Version 1. Collection method: curation. Allele origin: germline. Inheritance: Autosomal dominant inheritance.
Comment: NM_000138.5 c.6410G>A is a missense variant in FBN1 predicted to cause a substitution of cysteine by a tyrosine at amino acid 2137 (p.Cys2137Tyr). This variant has been identified in at least five patients with thoracic aortic aneurysm and dissection (TAAD), including two meeting clinical diagnostic criteria for Marfan syndrome (MFS), and in a patient with an unspecified clinical suspicion of Marfan syndrome (PS4_moderate, PP4; University of Texas-Houston & Invitae internal data). The variant was also found to segregate with aortic dilation in two individuals across two families (PP1; University of Texas-Houston & Invitae internal data). It is absent from gnomAD (PM2_supporting;, v2.1.1, 3.1.2, 4.0.0). This variant affects a cysteine residue in a calcium-binding EGF-like domain; cysteine residues are involved in the formation of disulfide bridges which are essential for the protein structure (PM1_strong). Computational prediction tools and conservation analysis support that this variant is likely to impact the protein (PP3; REVEL = 0.916). The constraint z-score for missense variants affecting FBN1 is 8.18 (PP2; gnomAD v4.0.0). In summary, this variant meets criteria to be classified as pathogenic for Marfan syndrome based on the ACMG/AMP criteria applied, as specified by the ClinGen FBN1 VCEP: PM1_strong, PS4_moderate, PP1, PP2, PP3, PP4, PM2_supporting.

Labcorp Genetics (formerly Invitae), Labcorp
Classification: Pathogenic for Marfan syndrome; Familial thoracic aortic aneurysm and aortic dissection. Last evaluated: 2024-05-18. Review status: criteria provided, single submitter. Criteria: Invitae Variant Classification Sherloc (09022015). Collection method: clinical testing. Allele origin: germline. Not counted in ClinVar's aggregate classification.
Comment: This sequence change replaces cysteine, which is neutral and slightly polar, with tyrosine, which is neutral and polar, at codon 2137 of the FBN1 protein (p.Cys2137Tyr). This variant is not present in population databases (gnomAD no frequency). This missense change has been observed in individuals with clinical features of FBN1-related conditions (Invitae). ClinVar contains an entry for this variant (Variation ID: 633211). Advanced modeling of protein sequence and biophysical properties (such as structural, functional, and spatial information, amino acid conservation, physicochemical variation, residue mobility, and thermodynamic stability) performed at Invitae indicates that this missense variant is expected to disrupt FBN1 protein function with a positive predictive value of 95%. This variant affects a cysteine residue in the EGF-like, TGFBP or hybrid motif domains of FBN1. Cysteine residues are believed to be involved in intramolecular disulfide bridges and have been shown to be important for FBN1 protein structure (PMID: 16905551, 19349279). In addition, missense substitutions affecting cysteine residues within these domains are significantly overrepresented among patients with Marfan syndrome (PMID: 16571647, 17701892). This variant disrupts the p.Cys2137 amino acid residue in FBN1. Other variant(s) that disrupt this residue have been observed in individuals with FBN1-related conditions (PMID: 25907466), which suggests that this may be a clinically significant amino acid residue. For these reasons, this variant has been classified as Pathogenic.

Women's Health and Genetics/Laboratory Corporation of America, LabCorp
Classification: Uncertain significance. Last evaluated: 2018-05-08. Review status: criteria provided, single submitter. Criteria: LabCorp Variant Classification Summary - May 2015. Collection method: clinical testing. Allele origin: germline. Not counted in ClinVar's aggregate classification.
Comment: Variant summary: FBN1 c.6410G>A (p.Cys2137Tyr) results in a non-conservative amino acid change. This variant lies in a conserved region within EGF-like #32. "The sulfhydryl group of cysteine is unique in its ability to participate in disulfide covalent cross-linkage . In fact, two thirds of fibrillin cysteine residues exist in the half-cystinyl form, suggesting their participation in intramolecular disulfide linkage. The cysteine residues in the EGF-like motif may also be necessary for intermolecular interactions with other fibrillin molecules or with other proteins (Dietz_1992)." Therefore, alteration of cysteine in this domain could disrupt disulfide binding, affecting secondary or tertiary structure or possibly impairing fibrillin interactions. Five of five in-silico tools predict a damaging effect of the variant on protein function. The variant was absent in 121012 control chromosomes. The available data on variant occurrences in the general population are insufficient to allow any conclusion about variant significance. To our knowledge, no occurrence of c.6410G>A in individuals affected with Marfan Syndrome and no experimental evidence demonstrating its impact on protein function have been reported. No clinical diagnostic laboratories have submitted clinical-significance assessments for this variant to ClinVar after 2014. Based on the evidence outlined above, the variant was classified as a VUS - possibly pathogenic variant.

Literature cited by the submitters: PubMed 16905551 (cited by Labcorp Genetics (formerly Invitae), Labcorp); PubMed 19349279 (cited by Labcorp Genetics (formerly Invitae), Labcorp); PubMed 16571647 (cited by Labcorp Genetics (formerly Invitae), Labcorp); PubMed 17701892 (cited by Labcorp Genetics (formerly Invitae), Labcorp); PubMed 25907466 (cited by Labcorp Genetics (formerly Invitae), Labcorp).